The following is an entry in ClinVar:

ClinVar aggregate classification (germline): Benign/Likely benign. Review status: criteria provided, multiple submitters, no conflicts (2 of 4 stars). 3 submissions from 3 submitters: Benign (2); Likely benign (1). Last evaluated 2025-09-01.

Allele frequency attached by ClinVar (database versions not stated): gnomAD exomes 0.00024 and 0.00079; gnomAD 0.00030 and 0.00035; ExAC 0.00080; 1000 Genomes Project 30x 0.00109; 1000 Genomes Project 0.00120; TOPMed 0.00121.
gnomAD v4.1: 421 of 1,612,298 alleles (0.026%); highest among the groups gnomAD compares: East Asian, 0.81%; 5 homozygotes.

Submissions (3):

Labcorp Genetics (formerly Invitae), Labcorp
Classification: Benign. Last evaluated: 2025-09-01. Review status: criteria provided, single submitter. Criteria: Invitae Variant Classification Sherloc (09022015). Collection method: clinical testing. Allele origin: germline.

Mayo Clinic Laboratories, Mayo Clinic
Classification: Benign. Last evaluated: 2025-07-17. Review status: criteria provided, single submitter. Criteria: ACMG Guidelines, 2015. Collection method: clinical testing. Allele origin: germline. Observed: 1 variant allele.
Comment: BA1

Blueprint Genetics
Classification: Likely benign. Last evaluated: 2024-10-11. Review status: criteria provided, single submitter. Criteria: ACMG Guidelines, 2015. Collection method: clinical testing. Allele origin: germline.

NM_002972.4(SBF1):c.3309G>A (p.Thr1103=)

Gene: SBF1 (SET binding factor 1; minus strand). Cytogenetic location: 22q13.33.
Variant type: single nucleotide variant.
Coding change: c.3309G>A on transcript NM_002972.4 (MANE Select); coding-DNA position 3309, G replaced by A.
Protein change: p.Thr1103=; no amino-acid change (threonine 1103 retained).
Molecular consequence: synonymous variant.
Genome position (GRCh38, 1-based): chr22:50,460,134, C>T on the plus strand (G>A on the coding strand, the complement: SBF1 is on the minus strand). VCF-style: chr22-50460134-C-T. GRCh37 (hg19) VCF-style: chr22-50898563-C-T.
Other names: p.Thr1103=; c.3312G>A, p.Thr1104= (NM_001365819.1).
Identifiers: ClinVar variation 731264 (VCV000731264.12), dbSNP rs201348990, ClinGen allele CA10316759.
Genomic context (GRCh38, chr22:50,460,134, plus strand): 5'-TTCCACCAGGCTGCTCATGGTCATGCGGTCGGAGGGCTTCAGGGCTGAGGACGGGGTCAG[C>T]GTGCTGGGCTCCAGCTCCTCCGACACTGCACAGGCCGGGCACACGTGGTCATCACGGGGC-3'
Protein context (NP_002963.2, residues 1093-1113): ISVSEELEPS[Thr1103=]LTPSSALKPS